The following is an entry in ClinVar:

ClinVar aggregate classification (germline): Uncertain significance. Review status: criteria provided, multiple submitters, no conflicts (2 of 4 stars). 4 submissions from 4 submitters: Uncertain significance (4). Last evaluated 2024-07-10.

Conditions:
Familial thoracic aortic aneurysm and aortic dissection (TAAD). Also called: Thoracic aortic aneurysms and dissections. Identifiers: Orphanet 91387, MedGen C4707243, MONDO:0019625.
Aortic aneurysm, familial thoracic 4 (AAT4). Also called: AORTIC ANEURYSM/AORTIC DISSECTION AND PATENT DUCTUS ARTERIOSUS. Identifiers: MedGen C1851504, MONDO:0007568, OMIM 132900.

Submissions (4):

All of Us Research Program, National Institutes of Health
Classification: Uncertain significance for Familial thoracic aortic aneurysm and aortic dissection. Last evaluated: 2024-07-10. Review status: criteria provided, single submitter. Criteria: ACMG Guidelines, 2015. Collection method: clinical testing. Allele origin: germline. Inheritance: Autosomal dominant inheritance. Observed: 1 variant allele, 1 heterozygote.
Comment: This missense variant replaces arginine with tryptophan at codon 856 of the MYH11 protein. Computational prediction tool is inconclusive regarding the impact of this variant on protein structure and function (internally defined REVEL score threshold 0.5 < inconclusive < 0.7, PMID: 27666373). Splice site prediction tools suggest that this variant may not impact RNA splicing. To our knowledge, functional studies have not been performed for this variant. This variant has not been reported in individuals affected with cardiovascular disorders in the literature. This variant has not been identified in the general population by the Genome Aggregation Database (gnomAD). The available evidence is insufficient to determine the role of this variant in disease conclusively. Therefore, this variant is classified as a Variant of Uncertain Significance.

This study involves interpretation of variants in research participants for the purpose of population health screening. Participant phenotype was not available at the time of variant classification. Additional details can be found in publication PMID: 35346344, PMCID: PMC8962531

Ambry Genetics
Classification: Uncertain significance for Familial thoracic aortic aneurysm and aortic dissection. Last evaluated: 2024-06-21. Review status: criteria provided, single submitter. Criteria: Ambry Variant Classification Scheme 2023. Collection method: clinical testing. Allele origin: germline.
Comment: The p.R849W variant (also known as c.2545C>T), located in coding exon 20 of the MYH11 gene, results from a C to T substitution at nucleotide position 2545. The arginine at codon 849 is replaced by tryptophan, an amino acid with dissimilar properties. This amino acid position is conserved. In addition, this alteration is predicted to be deleterious by in silico analysis. Based on the available evidence, the clinical significance of this variant remains unclear.

Color Diagnostics, LLC DBA Color Health
Classification: Uncertain significance for Familial thoracic aortic aneurysm and aortic dissection. Last evaluated: 2024-03-06. Review status: criteria provided, single submitter. Criteria: ACMG Guidelines, 2015. Collection method: clinical testing. Allele origin: germline.
Comment: This missense variant replaces arginine with tryptophan at codon 856 of the MYH11 protein. Computational prediction tool is inconclusive regarding the impact of this variant on protein structure and function (internally defined REVEL score threshold 0.5 < inconclusive < 0.7, PMID: 27666373). Splice site prediction tools suggest that this variant may not impact RNA splicing. To our knowledge, functional studies have not been performed for this variant. This variant has not been reported in individuals affected with cardiovascular disorders in the literature. This variant has not been identified in the general population by the Genome Aggregation Database (gnomAD). The available evidence is insufficient to determine the role of this variant in disease conclusively. Therefore, this variant is classified as a Variant of Uncertain Significance.

Labcorp Genetics (formerly Invitae), Labcorp
Classification: Uncertain significance for Aortic aneurysm, familial thoracic 4. Last evaluated: 2021-07-04. Review status: criteria provided, single submitter. Criteria: Invitae Variant Classification Sherloc (09022015). Collection method: clinical testing. Allele origin: germline.
Comment: This variant has not been reported in the literature in individuals with MYH11-related conditions. ClinVar contains an entry for this variant (Variation ID: 222712). This sequence change replaces arginine with tryptophan at codon 856 of the MYH11 protein (p.Arg856Trp). The arginine residue is highly conserved and there is a moderate physicochemical difference between arginine and tryptophan. This variant is not present in population databases (ExAC no frequency). Algorithms developed to predict the effect of missense changes on protein structure and function (SIFT, PolyPhen-2, Align-GVGD) all suggest that this variant is likely to be disruptive, but these predictions have not been confirmed by published functional studies and their clinical significance is uncertain. In summary, the available evidence is currently insufficient to determine the role of this variant in disease. Therefore, it has been classified as a Variant of Uncertain Significance.

NM_002474.3(MYH11):c.2545C>T (p.Arg849Trp)

Gene: MYH11 (myosin heavy chain 11; minus strand). Cytogenetic location: 16p13.11.
Variant type: single nucleotide variant.
Coding change: c.2545C>T on transcript NM_002474.3 (MANE Select); coding-DNA position 2545, C replaced by T.
Protein change: p.Arg849Trp; replaces arginine 849 with tryptophan.
Molecular consequence: missense variant.
Genome position (GRCh38, 1-based): chr16:15,741,867, G>A on the plus strand (C>T on the coding strand, the complement: MYH11 is on the minus strand). VCF-style: chr16-15741867-G-A. GRCh37 (hg19) VCF-style: chr16-15835724-G-A.
Other names: c.2566C>T, p.Arg856Trp (NM_001040113.2, NM_001040114.2); c.2545C>T, p.Arg849Trp (NM_022844.3); c.2545C>T (NM_002474.2); short protein forms R856W, R849W.
Identifiers: ClinVar variation 222712 (VCV000222712.15), dbSNP rs869025471, ClinGen allele CA351937.
Genomic context (GRCh38, chr16:15,741,867, plus strand): 5'-GCTGCCGCTCCTTGGTCTTCTGCAGTTCATCCTCCTTGGCCTGCATCTCCTCCTCCTGCC[G>A]TGTCACCTGCAGCAGTGGCTTCACCTGCACACACACGGTTAGCCCATCATTTGTTTTTGT-3'
Protein context (NP_002465.1, residues 839-859): TKVKPLLQVT[Arg849Trp]QEEEMQAKED